The following is an entry in ClinVar:

ClinVar aggregate classification (germline): Conflicting classifications of pathogenicity. Review status: criteria provided, conflicting classifications (1 of 4 stars). 3 submissions from 3 submitters: Uncertain significance (1); Likely benign (2). Last evaluated 2026-01-18.

Allele frequency attached by ClinVar (database versions not stated): ExAC 0.00001; gnomAD 0.00005 and 0.00006; gnomAD exomes 0.00006; TOPMed 0.00009.
gnomAD v4.1: 29 of 1,613,848 alleles (0.0018%); highest among the groups gnomAD compares: Admixed American, 0.043%; no homozygotes.

Submissions (3):

Labcorp Genetics (formerly Invitae), Labcorp
Classification: Likely benign. Last evaluated: 2026-01-18. Review status: criteria provided, single submitter. Criteria: Invitae Variant Classification Sherloc (09022015). Collection method: clinical testing. Allele origin: germline.

Women's Health and Genetics/Laboratory Corporation of America, LabCorp
Classification: Uncertain significance. Last evaluated: 2024-08-14. Review status: criteria provided, single submitter. Criteria: LabCorp Variant Classification Summary - May 2015. Collection method: clinical testing. Allele origin: germline.
Comment: Variant summary: COL9A1 c.1666-10T>G alters a conserved nucleotide located at a position not widely known to affect splicing. Several computational tools predict a significant impact on normal splicing: Two predict the variant weakens a 3' acceptor site. However, these predictions have yet to be confirmed by functional studies. The variant allele was found at a frequency of 5.6e-05 in 251388 control chromosomes. This frequency is not significantly higher than estimated for a pathogenic variant in COL9A1 causing COL9A1-Related Disorders, allowing no conclusion about variant significance. To our knowledge, no occurrence of c.1666-10T>G in individuals affected with COL9A1-Related Disorders and no experimental evidence demonstrating its impact on protein function have been reported. ClinVar contains an entry for this variant (Variation ID: 851181). Based on the evidence outlined above, the variant was classified as uncertain significance.

Blueprint Genetics
Classification: Likely benign. Last evaluated: 2024-03-05. Review status: criteria provided, single submitter. Criteria: ACMG Guidelines, 2015. Collection method: clinical testing. Allele origin: germline.

NM_001851.6(COL9A1):c.1666-10T>G

Gene: COL9A1 (collagen type IX alpha 1 chain; minus strand). Cytogenetic location: 6q13.
Variant type: single nucleotide variant.
Coding change: c.1666-10T>G on transcript NM_001851.6 (MANE Select); 10 bases into the intron before coding-DNA position 1666, T replaced by G.
Molecular consequence: intron variant.
Genome position (GRCh38, 1-based): chr6:70,254,539, A>C on the plus strand (T>G on the coding strand, the complement: COL9A1 is on the minus strand). VCF-style: chr6-70254539-A-C. GRCh37 (hg19) VCF-style: chr6-70964242-A-C.
Other names: c.937-10T>G (NM_001377290.1, NM_078485.4); c.967-10T>G (NM_001377289.1).
Identifiers: ClinVar variation 851181 (VCV000851181.9), dbSNP rs762825632, ClinGen allele CA3882068.